The following is an entry in ClinVar:

ClinVar aggregate classification (germline): Conflicting classifications of pathogenicity. Review status: criteria provided, conflicting classifications (1 of 4 stars). 4 submissions from 4 submitters: Likely pathogenic (2); Uncertain significance (2). Last evaluated 2024-06-13.

Conditions:
Familial cancer of breast. Also called: Hereditary breast cancer; hereditary breast carcinoma; BREAST CANCER, FAMILIAL. Identifiers: Orphanet 227535, MedGen C0346153, MONDO:0016419, OMIM 114480. Disease mechanism: loss of function.
Hereditary cancer-predisposing syndrome. Also called: Neoplastic Syndromes, Hereditary; Hereditary Cancer Syndrome; Tumor predisposition; Hereditary neoplastic syndrome. Identifiers: Orphanet 140162, MedGen C0027672, MeSH D009386, MONDO:0015356.

Submissions (4):

Labcorp Genetics (formerly Invitae), Labcorp
Classification: Uncertain significance for Familial cancer of breast. Last evaluated: 2024-06-13. Review status: criteria provided, single submitter. Criteria: Invitae Variant Classification Sherloc (09022015). Collection method: clinical testing. Allele origin: germline.
Comment: This sequence change affects an acceptor splice site in intron 1 of the PALB2 gene. It is expected to disrupt RNA splicing. Variants that disrupt the donor or acceptor splice site typically lead to a loss of protein function (PMID: 16199547), and loss-of-function variants in PALB2 are known to be pathogenic (PMID: 17200668, 17200671, 17200672, 24136930, 25099575). This variant is not present in population databases (gnomAD no frequency). Experimental studies have shown that sequence changes at this splice site disrupt the consensus splice site and strengthen a cryptic acceptor site in exon 2, located 6 nucleotides downstream of the natural splice site. This results in an alternative transcript with an in-frame deletion of 2 amino acids, which do not affect known functional domains and/or critical residues (PMID: 30890586). Also, this alternative transcript has been shown to occur naturally in healthy individuals (PMID: 30890586). These studies suggest that the clinical significance of this splice variant may be uncertain. ClinVar contains an entry for this variant (Variation ID: 584471). Algorithms developed to predict the effect of sequence changes on RNA splicing suggest that this variant may disrupt the consensus splice site. In summary, the available evidence is currently insufficient to determine the role of this variant in disease. Therefore, it has been classified as a Variant of Uncertain Significance.

Ambry Genetics
Classification: Likely pathogenic for Hereditary cancer-predisposing syndrome. Last evaluated: 2023-11-30. Review status: criteria provided, single submitter. Criteria: Ambry Variant Classification Scheme 2023. Collection method: clinical testing. Allele origin: germline.
Comment: The c.49-1G>A intronic variant results from a G to A substitution one nucleotide upstream from coding exon 2 of the PALB2 gene. This variant has been reported in individuals with a personal history of breast cancer and uveal melanoma (Tsaousis GN et al. BMC Cancer, 2019 Jun;19:535; Abdel-Rahman MH et al. Ophthalmology, 2020 May;127:668-678). This nucleotide position is highly conserved in available vertebrate species. In silico splice site analysis predicts that this alteration will weaken the native splice acceptor site and will result in the creation or strengthening of a novel splice acceptor site. RNA studies have demonstrated that this alteration results in a transcript predicted to lead to a protein with an in-frame deletion of 2 amino acids in the coiled-coiled domain and is predicted to significantly disrupt a protein-protein interface (Tsaousis GN et al. BMC Cancer, 2019 Jun;19:535; Ambry internal data). This variant is considered to be rare based on population cohorts in the Genome Aggregation Database (gnomAD). Based on the majority of available evidence to date, this variant is likely to be pathogenic.

Color Diagnostics, LLC DBA Color Health
Classification: Uncertain significance for Hereditary cancer-predisposing syndrome. Last evaluated: 2023-03-07. Review status: criteria provided, single submitter. Criteria: ACMG Guidelines, 2015. Collection method: clinical testing. Allele origin: germline.
Comment: This variant causes a G to A nucleotide substitution at the -1 position of intron 1 of the PALB2 gene. RNA studies have reported that this variant activates an alternate splice acceptor in exon 2 that results in the in-frame skipping of 6 bp in exon 2, c.49_54del (p.Leu17_Lys18del) (PMID: 31159747, 36139699). In one study, this in-frame deletion is noted to occur at the conserved DNA binding domain. However, this alternative in-frame acceptor site is also used in a naturally occurring mRNA isoform that is found in blood, breast and ovarian tissues (PMID: 30890586). Therefore, the functional impact of this in-frame deletion remains unclear. This variant has been reported in an individual affected with breast cancer (PMID: 31159747) and in an individual affected with uveal melanoma who also has a likely pathogenic CHEK2 co-variant (PMID: 32081490). This variant has not been identified in the general population by the Genome Aggregation Database (gnomAD). The available evidence is insufficient to determine the role of this variant in disease conclusively. Therefore, this variant is classified as a Variant of Uncertain Significance.

GeneKor MSA
Classification: Likely pathogenic for Hereditary cancer-predisposing syndrome. Last evaluated: 2020-01-01. Review status: criteria provided, single submitter. Criteria: ACMG Guidelines, 2015. Collection method: clinical testing. Allele origin: germline. Affected: yes.
Comment: This sequence change occurs 1 nucleotides before exon 2 of the PALB2 gene. This position is highly conserved in the human and other genomes and is crucial in mRNA processing. This variant is expected to disrupt RNA splicing and likely results in an absent or disrupted protein product. Truncating variants in PALB2 are known to be pathogenic (PMID: 17200668, 24136930, 25099575). Also, donor and acceptor splice site variants as usual lead to a loss of protein function (PMID: 16199547). This variant has been described in the international literature in an individual undergoing panel testing for hereditary syndrome (PMID: 31159747).

Literature cited by the submitters: PubMed 16199547 (cited by Labcorp Genetics (formerly Invitae), Labcorp); PubMed 17200668 (cited by Labcorp Genetics (formerly Invitae), Labcorp); PubMed 17200671 (cited by Labcorp Genetics (formerly Invitae), Labcorp); PubMed 17200672 (cited by Labcorp Genetics (formerly Invitae), Labcorp); PubMed 24136930 (cited by Labcorp Genetics (formerly Invitae), Labcorp); PubMed 25099575 (cited by Labcorp Genetics (formerly Invitae), Labcorp); PubMed 30890586 (cited by 3 submitters); PubMed 31159747 (cited by Ambry Genetics and Color Diagnostics, LLC DBA Color Health); PubMed 32081490 (cited by Ambry Genetics and Color Diagnostics, LLC DBA Color Health); PubMed 36139699 (cited by Color Diagnostics, LLC DBA Color Health).

NM_024675.4(PALB2):c.49-1G>A

Gene: PALB2 (partner and localizer of BRCA2; minus strand). Cytogenetic location: 16p12.2.
Variant type: single nucleotide variant.
Coding change: c.49-1G>A on transcript NM_024675.4 (MANE Select); the canonical splice acceptor site of the intron before coding-DNA position 49, G replaced by A.
Molecular consequence: splice acceptor variant. On other transcripts: intron variant (4).
Genome position (GRCh38, 1-based): chr16:23,638,130, C>T on the plus strand (G>A on the coding strand, the complement: PALB2 is on the minus strand). VCF-style: chr16-23638130-C-T. GRCh37 (hg19) VCF-style: chr16-23649451-C-T.
Other names: c.-837-1G>A (NM_001407308.1, NM_001407306.1, NM_001407307.1 and 5 more transcripts); c.48+2980G>A (NM_001407314.1); c.-105+2980G>A (NM_001407313.1, NM_001407312.1); c.49-178G>A (NM_001407296.1); c.49-1G>A (NM_001407297.1, NM_001407302.1, NM_001407298.1 and 3 more transcripts).
Identifiers: ClinVar variation 584471 (VCV000584471.8), dbSNP rs1440838364, ClinGen allele CA395140039.